The following is an entry in ClinVar:

NM_006231.4(POLE):c.5413_5415del (p.Glu1805del)

Gene: POLE (DNA polymerase epsilon, catalytic subunit; minus strand). Cytogenetic location: 12q24.33.
Variant type: Deletion.
Coding change: c.5413_5415del on transcript NM_006231.4 (MANE Select); coding-DNA positions 5413 to 5415, 3 bases deleted (GAG; older notation c.5413_5415delGAG).
Protein change: p.Glu1805del; deletes glutamic acid 1805.
Molecular consequence: inframe deletion.
Genome position (GRCh38, 1-based): chr12:132,639,262-132,639,264, CTC deleted on the plus strand (GAG on the coding strand, the reverse complement: POLE is on the minus strand); deleting any 3 consecutive bases within chr12:132,639,262-132,639,266 gives the same sequence; the c. name uses the placement nearest the transcript's 3' end. VCF-style (leftmost placement, unchanged base first): chr12-132639261-TCTC-T. GRCh37 (hg19) VCF-style: chr12-133215847-TCTC-T.
Other names: c.5413_5415delGAG (NM_006231.4); short protein forms E1805del.
Identifiers: ClinVar variation 2762024 (VCV002762024.4), dbSNP rs2541873130, ClinGen allele CA2697551635.

ClinVar aggregate classification (germline): Uncertain significance. Review status: criteria provided, multiple submitters, no conflicts (2 of 4 stars). 2 submissions from 2 submitters: Uncertain significance (2). Last evaluated 2025-12-29.

Submissions (2):

Center for Genomic Medicine, Rigshospitalet, Copenhagen University Hospital
Classification: Uncertain significance. Last evaluated: 2025-12-29. Review status: criteria provided, single submitter. Criteria: ACMG Guidelines, 2015. Collection method: clinical testing. Allele origin: germline.
Comment: Classification criteria: PM4

Labcorp Genetics (formerly Invitae), Labcorp
Classification: Uncertain significance. Last evaluated: 2023-10-04. Review status: criteria provided, single submitter. Criteria: Invitae Variant Classification Sherloc (09022015). Collection method: clinical testing. Allele origin: germline.
Comment: This variant, c.5413_5415del, results in the deletion of 1 amino acid(s) of the POLE protein (p.Glu1805del), but otherwise preserves the integrity of the reading frame. This variant is not present in population databases (gnomAD no frequency). This variant has not been reported in the literature in individuals affected with POLE-related conditions. Experimental studies and prediction algorithms are not available or were not evaluated, and the functional significance of this variant is currently unknown. In summary, the available evidence is currently insufficient to determine the role of this variant in disease. Therefore, it has been classified as a Variant of Uncertain Significance.